The following is an entry in ClinVar:

ClinVar aggregate classification (germline): Pathogenic (1 of 4 stars; one submission).

Submission:

GeneDx
Classification: Pathogenic. Last evaluated: 2025-10-31. Review status: criteria provided, single submitter. Criteria: GeneDx Variant Classification Process June 2021. Collection method: clinical testing. Allele origin: germline. Affected: yes.
Comment: Identified as a de novo variant in an individual with autism from a large cohort study in published literature; however, further clinical information was not provided (PMID: 35982159); In-frame deletion of 1 amino acid in a non-repeat region; In silico analysis supports a deleterious effect on protein structure/function; Not observed at significant frequency in large population cohorts (gnomAD); This variant is associated with the following publications: (PMID: 35982159)

NM_005629.4(SLC6A8):c.439TAC[1] (p.Tyr148del)

Gene: SLC6A8 (solute carrier family 6 member 8; plus strand). Cytogenetic location: Xq28.
Variant type: Microsatellite.
Coding change: c.439TAC[1] on transcript NM_005629.4 (MANE Select); one copy of the 3-base unit TAC starting at c.439; the reference has two copies in a row; one copy, 3 bases deleted.
Protein change: p.Tyr148del; deletes tyrosine 148.
Molecular consequence: inframe deletion.
Genome position (GRCh38, 1-based): chrX:153,691,351-153,691,353, TAC deleted; deleting any 3 consecutive bases within chrX:153,691,347-153,691,353 gives the same sequence; the position shown is the placement nearest the transcript's 3' end. VCF-style (leftmost placement, unchanged base first): chrX-153691346-CCTA-C. GRCh37 (hg19) VCF-style: chrX-152956801-CCTA-C.
Other names: c.439TAC[1], p.Tyr148del (NM_001142805.2); c.94TAC[1], p.Tyr33del (NM_001142806.1); short protein forms Y148del, Y33del.
Identifiers: ClinVar variation 2506752 (VCV002506752.5), dbSNP rs2522155835, ClinGen allele CA2580612313.
Genomic context (GRCh38, chrX:153,691,346, plus strand): 5'-AGGACTTCCCGGCCCCAGGCCTGGGCTACGCCTCCATGGTGATCGTCTTCTACTGCAACA[CCTA>C]CTACATCATGGTGCTGGCCTGGGGCTTCTATTACCTGGTCAAGTCCTTTACCACCACGCT-3'